The following is an entry in ClinVar:

ClinVar aggregate classification (germline): Uncertain significance. Review status: criteria provided, multiple submitters, no conflicts (2 of 4 stars). 2 submissions from 2 submitters: Uncertain significance (2). Last evaluated 2022-06-27.

Conditions:
Inborn genetic diseases. Identifiers: MedGen C0950123, MeSH D030342.

Allele frequency attached by ClinVar (database versions not stated): TOPMed below 0.00001; ExAC 0.00005.

Submissions (2):

Ambry Genetics
Classification: Uncertain significance for Inborn genetic diseases. Last evaluated: 2022-06-27. Review status: criteria provided, single submitter. Criteria: Ambry Variant Classification Scheme 2023. Collection method: clinical testing. Allele origin: germline.

GeneDx
Classification: Uncertain significance. Last evaluated: 2021-11-22. Review status: criteria provided, single submitter. Criteria: GeneDx Variant Classification Process June 2021. Collection method: clinical testing. Allele origin: germline. Affected: yes.
Comment: In silico analysis supports that this missense variant does not alter protein structure/function; Has not been previously published as pathogenic or benign to our knowledge

NM_002516.4(NOVA2):c.739G>A (p.Ala247Thr)

Gene: NOVA2 (NOVA alternative splicing regulator 2; minus strand). Cytogenetic location: 19q13.32.
Variant type: single nucleotide variant.
Coding change: c.739G>A on transcript NM_002516.4 (MANE Select); coding-DNA position 739, G replaced by A.
Protein change: p.Ala247Thr; replaces alanine 247 with threonine.
Molecular consequence: missense variant.
Genome position (GRCh38, 1-based): chr19:45,940,603, C>T on the plus strand (G>A on the coding strand, the complement: NOVA2 is on the minus strand). VCF-style: chr19-45940603-C-T. GRCh37 (hg19) VCF-style: chr19-46443861-C-T.
Other names: c.739G>A (NM_002516.2); short protein forms A247T.
Identifiers: ClinVar variation 1686725 (VCV001686725.5), dbSNP rs765194093, ClinGen allele CA9525371.